The following is an entry in ClinVar:

ClinVar aggregate classification (germline): Likely pathogenic. Review status: criteria provided, single submitter (1 of 4 stars). 2 submissions from 2 submitters: Likely pathogenic (1). 1 of the submissions does not count toward it. Last evaluated 2022-04-12.

Conditions:
PRPH2-related disorder. Also called: PRPH2-related condition; PRPH2-related disorders. Identifiers: MedGen CN239395.

Submissions (2):

Blueprint Genetics
Classification: Likely pathogenic for PRPH2-related disorders. Last evaluated: 2022-04-12. Review status: criteria provided, single submitter. Criteria: ACMG Guidelines, 2015. Collection method: clinical testing. Allele origin: germline. Affected: yes. Observed: 1 variant allele.

Leiden Open Variation Database
Classification: Likely pathogenic. Last evaluated: 2021-05-14. Review status: no assertion criteria provided. Collection method: curation. Allele origin: germline. Affected: yes. Not counted in ClinVar's aggregate classification.
Comment: Curator: Global Variome, with Curator vacancy. Submitters to LOVD: LOVD, Manon Peeters.

Literature cited by the submitters: PubMed 25698705 (cited by Leiden Open Variation Database); PubMed 29847639 (cited by Leiden Open Variation Database).

NM_000322.5(PRPH2):c.536G>T (p.Trp179Leu)

Gene: PRPH2 (peripherin 2; minus strand). Cytogenetic location: 6p21.1.
Variant type: single nucleotide variant.
Coding change: c.536G>T on transcript NM_000322.5 (MANE Select); coding-DNA position 536, G replaced by T.
Protein change: p.Trp179Leu; replaces tryptophan 179 with leucine.
Molecular consequence: missense variant.
Genome position (GRCh38, 1-based): chr6:42,721,799, C>A on the plus strand (G>T on the coding strand, the complement: PRPH2 is on the minus strand). VCF-style: chr6-42721799-C-A. GRCh37 (hg19) VCF-style: chr6-42689537-C-A.
Other names: short protein forms W179L.
Identifiers: ClinVar variation 1175256 (VCV001175256.2), dbSNP rs2152010886, ClinGen allele CA364137340.